The following is an entry in ClinVar:

ClinVar aggregate classification (germline): Uncertain significance (1 of 4 stars; one submission).

Submission:

Labcorp Genetics (formerly Invitae), Labcorp
Classification: Uncertain significance. Last evaluated: 2025-12-22. Review status: criteria provided, single submitter. Criteria: Invitae Variant Classification Sherloc (09022015). Collection method: clinical testing. Allele origin: germline.
Comment: This sequence change creates a premature translational stop signal (p.Glu253Cysfs*8) in the IRF2BP2 gene. It is expected to result in an absent or disrupted protein product. However, the current clinical and genetic evidence is not sufficient to establish whether loss-of-function variants in IRF2BP2 cause disease. This variant is not present in population databases (gnomAD no frequency). This variant has not been reported in the literature in individuals affected with IRF2BP2-related conditions. ClinVar contains an entry for this variant (Variation ID: 2809908). In summary, the available evidence is currently insufficient to determine the role of this variant in disease. Therefore, it has been classified as a Variant of Uncertain Significance.

NM_182972.3(IRF2BP2):c.734_755dup (p.Glu253fs)

Gene: IRF2BP2 (interferon regulatory factor 2 binding protein 2; minus strand). Cytogenetic location: 1q42.3.
Variant type: Duplication.
Coding change: c.734_755dup on transcript NM_182972.3 (MANE Select); coding-DNA positions 734 to 755, 22 bases duplicated (CTGCCGTGGAGCACGAGCAGCG).
Protein change: p.Glu253fs; shifts the reading frame from glutamic acid 253.
Molecular consequence: frameshift variant.
Genome position (GRCh38, 1-based): chr1:234,608,740-234,608,761, CGCTGCTCGTGCTCCACGGCAG duplicated on the plus strand (CTGCCGTGGAGCACGAGCAGCG on the coding strand, the reverse complement: IRF2BP2 is on the minus strand); duplicating any 22 consecutive bases within chr1:234,608,740-234,608,770 gives the same sequence; the c. name uses the placement nearest the transcript's 3' end. VCF-style (leftmost placement, unchanged base first): chr1-234608739-A-ACGCTGCTCGTGCTCCACGGCAG. GRCh37 (hg19) VCF-style: chr1-234744485-A-ACGCTGCTCGTGCTCCACGGCAG.
Other names: c.734_755dup, p.Glu253fs (NM_001077397.1); short protein forms E253fs.
Identifiers: ClinVar variation 2809908 (VCV002809908.3), dbSNP rs1558309384, ClinGen allele CA2573105984.